The following is an entry in ClinVar:

ClinVar aggregate classification (germline): Uncertain significance (1 of 4 stars; one submission).

Conditions:
Familial thoracic aortic aneurysm and aortic dissection (TAAD). Also called: Thoracic aortic aneurysms and dissections. Identifiers: Orphanet 91387, MedGen C4707243, MONDO:0019625.

Submission:

Ambry Genetics
Classification: Uncertain significance for Familial thoracic aortic aneurysm and aortic dissection. Last evaluated: 2024-11-26. Review status: criteria provided, single submitter. Criteria: Ambry Variant Classification Scheme 2023. Collection method: clinical testing. Allele origin: germline.
Comment: The p.F1303C variant (also known as c.3908T>G), located in coding exon 31 of the FBN1 gene, results from a T to G substitution at nucleotide position 3908. The phenylalanine at codon 1303 is replaced by cysteine, an amino acid with highly dissimilar properties. This variant alters a conserved residue in the calcium-binding consensus sequence of a cbEGF domain and is expected to disrupt FBN1 function (Handford PA et al. Nature. 1991; 351(6322):164-7). This amino acid position is highly conserved in available vertebrate species. In addition, this alteration is predicted to be deleterious by in silico analysis. Based on the available evidence, the clinical significance of this variant remains unclear.

NM_000138.5(FBN1):c.3908T>G (p.Phe1303Cys)

Gene: FBN1 (fibrillin 1; minus strand). Cytogenetic location: 15q21.1.
Variant type: single nucleotide variant.
Coding change: c.3908T>G on transcript NM_000138.5 (MANE Select); coding-DNA position 3908, T replaced by G.
Protein change: p.Phe1303Cys; replaces phenylalanine 1303 with cysteine.
Molecular consequence: missense variant.
Genome position (GRCh38, 1-based): chr15:48,481,711, A>C on the plus strand (T>G on the coding strand, the complement: FBN1 is on the minus strand). VCF-style: chr15-48481711-A-C. GRCh37 (hg19) VCF-style: chr15-48773908-A-C.
Other names: c.3908T>G, p.Phe1303Cys (NM_001406716.1); short protein forms F1303C.
Identifiers: ClinVar variation 3513581 (VCV003513581.1).